The following is an entry in ClinVar:

NM_001318852.2(MAPK8IP3):c.3956T>C (p.Leu1319Pro)

Gene: MAPK8IP3 (mitogen-activated protein kinase 8 interacting protein 3; plus strand). Cytogenetic location: 16p13.3.
Variant type: single nucleotide variant.
Coding change: c.3956T>C on transcript NM_001318852.2 (MANE Select); coding-DNA position 3956, T replaced by C.
Protein change: p.Leu1319Pro; replaces leucine 1319 with proline.
Molecular consequence: missense variant.
Genome position (GRCh38, 1-based): chr16:1,768,766, T>C. VCF-style: chr16-1768766-T-C. GRCh37 (hg19) VCF-style: chr16-1818767-T-C.
Other names: c.3935T>C, p.Leu1312Pro (NM_001040439.2); c.3953T>C, p.Leu1318Pro (NM_015133.5); short protein forms L1312P, L1318P, L1319P.
Identifiers: ClinVar variation 4536394 (VCV004536394.1).

ClinVar aggregate classification (germline): Uncertain significance (1 of 4 stars; one submission).

Submission:

GeneDx
Classification: Uncertain significance. Last evaluated: 2025-06-02. Review status: criteria provided, single submitter. Criteria: GeneDx Variant Classification Process June 2021. Collection method: clinical testing. Allele origin: germline. Affected: yes.
Comment: Not observed at significant frequency in large population cohorts (gnomAD); In silico analysis suggests that this missense variant does not alter protein structure/function; Has not been previously published as pathogenic or benign to our knowledge